The following is an entry in ClinVar:

NM_020366.4(RPGRIP1):c.1165A>T (p.Ser389Cys)

Gene: RPGRIP1 (RPGR interacting protein 1; plus strand). Cytogenetic location: 14q11.2.
Variant type: single nucleotide variant.
Coding change: c.1165A>T on transcript NM_020366.4 (MANE Select); coding-DNA position 1165, A replaced by T.
Protein change: p.Ser389Cys; replaces serine 389 with cysteine.
Molecular consequence: missense variant.
Genome position (GRCh38, 1-based): chr14:21,317,709, A>T. VCF-style: chr14-21317709-A-T. GRCh37 (hg19) VCF-style: chr14-21785868-A-T.
Other names: c.91A>T, p.Ser31Cys (NM_001377523.1, NM_001377948.1, NM_001377949.1 and 1 more transcripts); short protein forms S31C, S389C.
Identifiers: ClinVar variation 1716196 (VCV001716196.5), dbSNP rs2502752191, ClinGen allele CA388863847.

ClinVar aggregate classification (germline): Uncertain significance (1 of 4 stars; one submission).

Conditions:
Cone-rod dystrophy 13 (CORD13). Identifiers: Orphanet 1872, MedGen C2750720, MONDO:0011987, OMIM 608194.
Leber congenital amaurosis 6 (LCA6). Identifiers: Orphanet 65, MedGen C1854260, MONDO:0013446, OMIM 613826.

Submission:

Labcorp Genetics (formerly Invitae), Labcorp
Classification: Uncertain significance for Leber congenital amaurosis 6; Cone-rod dystrophy 13. Last evaluated: 2022-07-16. Review status: criteria provided, single submitter. Criteria: Invitae Variant Classification Sherloc (09022015). Collection method: clinical testing. Allele origin: germline.
Comment: This sequence change replaces serine, which is neutral and polar, with cysteine, which is neutral and slightly polar, at codon 389 of the RPGRIP1 protein (p.Ser389Cys). This variant is not present in population databases (gnomAD no frequency). This variant has not been reported in the literature in individuals affected with RPGRIP1-related conditions. Algorithms developed to predict the effect of missense changes on protein structure and function are either unavailable or do not agree on the potential impact of this missense change (SIFT: "Tolerated"; PolyPhen-2: "Probably Damaging"; Align-GVGD: "Class C0"). In summary, the available evidence is currently insufficient to determine the role of this variant in disease. Therefore, it has been classified as a Variant of Uncertain Significance.